The following is an entry in ClinVar:

ClinVar aggregate classification (germline): Benign (0 of 4 stars; one submission).

Conditions:
CUL9-related disorder. Also called: CUL9-related condition.

Allele frequency attached by ClinVar (database versions not stated): 1000 Genomes Project 0.01038; 1000 Genomes Project 30x 0.01062; TOPMed 0.01392; ExAC 0.01445; gnomAD 0.01503; ESP Exome Variant Server 0.01692; gnomAD exomes 0.02132.
gnomAD v4.1: 33,199 of 1,614,214 alleles (2.1%); highest among the groups gnomAD compares: Non-Finnish European, 2.5%; 455 homozygotes.

Submission:

PreventionGenetics, part of Exact Sciences
Classification: Benign for CUL9-related condition. Last evaluated: 2019-02-19. Review status: no assertion criteria provided. Collection method: clinical testing. Allele origin: germline.
Comment: This variant is classified as benign based on ACMG/AMP sequence variant interpretation guidelines (Richards et al. 2015 PMID: 25741868, with internal and published modifications).

NM_015089.4(CUL9):c.845G>A (p.Gly282Glu)

Gene: CUL9 (cullin 9; plus strand). Cytogenetic location: 6p21.1.
Variant type: single nucleotide variant.
Coding change: c.845G>A on transcript NM_015089.4 (MANE Select); coding-DNA position 845, G replaced by A.
Protein change: p.Gly282Glu; replaces glycine 282 with glutamic acid.
Molecular consequence: missense variant.
Genome position (GRCh38, 1-based): chr6:43,186,049, G>A. VCF-style: chr6-43186049-G-A. GRCh37 (hg19) VCF-style: chr6-43153787-G-A.
Other names: short protein forms G282E.
Identifiers: ClinVar variation 3056976 (VCV003056976.2), dbSNP rs61743561, ClinGen allele CA3817163.
Genomic context (GRCh38, chr6:43,186,049, plus strand): 5'-GCTACCTTTGTGTCACGTCCCTCCTGGATCAGCTGAATAGCAGTCCAGAGCTGGGAGCTG[G>A]AGACCAAAGCTCCCCATGTGCCACAAGAGAGAAAAGCCGGGGACAGCGGGAACTGGAGTT-3'
Protein context (NP_055904.1, residues 272-292): QLNSSPELGA[Gly282Glu]DQSSPCATRE